The following is an entry in ClinVar:

ClinVar aggregate classification (germline): Uncertain significance. Review status: criteria provided, multiple submitters, no conflicts (2 of 4 stars). 2 submissions from 2 submitters: Uncertain significance (2). Last evaluated 2024-01-01.

Conditions:
Autosomal dominant osteopetrosis 1 (OPTA1). Also called: OSTEOPETROSIS, AUTOSOMAL DOMINANT, TYPE I. Identifiers: Orphanet 2783, MedGen C1843330, MONDO:0011877, OMIM 607634.
Bone mineral density quantitative trait locus 1 (BMND1). Identifiers: MedGen C1866079, OMIM 601884.
Worth disease. Also called: ENDOSTEAL HYPEROSTOSIS, AUTOSOMAL DOMINANT; OSTEOSCLEROSIS, AUTOSOMAL DOMINANT; Autosomal dominant osteosclerosis, Worth type. Identifiers: Orphanet 2790, MedGen C0432273, MONDO:0007764, OMIM 144750.
Osteoporosis with pseudoglioma (OPPG). Also called: osteoporosis-pseudoglioma syndrome. Identifiers: Orphanet 2788, MedGen C0432252, MONDO:0009820, OMIM 259770.
Polycystic liver disease 4 with or without kidney cysts. Identifiers: MedGen C4693479, MONDO:0044327, OMIM 617875.
Exudative vitreoretinopathy 4 (EVR4). Identifiers: Orphanet 891, MedGen C1866176, MONDO:0011151, OMIM 601813.

Allele frequency attached by ClinVar (database versions not stated): TOPMed 0.00001.

Submissions (2):

Fulgent Genetics
Classification: Uncertain significance for Worth disease; Osteoporosis with pseudoglioma; Exudative vitreoretinopathy 4; Bone mineral density quantitative trait locus 1; Autosomal dominant osteopetrosis 1; Polycystic liver disease 4 with or without kidney cysts. Last evaluated: 2024-01-01. Review status: criteria provided, single submitter. Criteria: ACMG Guidelines, 2015. Collection method: clinical testing. Allele origin: germline.

GeneDx
Classification: Uncertain significance. Last evaluated: 2022-05-15. Review status: criteria provided, single submitter. Criteria: GeneDx Variant Classification Process June 2021. Collection method: clinical testing. Allele origin: germline. Affected: yes.
Comment: Not observed at significant frequency in large population cohorts (gnomAD); In silico analysis supports that this missense variant does not alter protein structure/function; Has not been previously published as pathogenic or benign to our knowledge

NM_002335.4(LRP5):c.2386T>C (p.Cys796Arg)

Gene: LRP5 (LDL receptor related protein 5; plus strand). Cytogenetic location: 11q13.2.
Variant type: single nucleotide variant.
Coding change: c.2386T>C on transcript NM_002335.4 (MANE Select); coding-DNA position 2386, T replaced by C.
Protein change: p.Cys796Arg; replaces cysteine 796 with arginine.
Molecular consequence: missense variant.
Genome position (GRCh38, 1-based): chr11:68,411,503, T>C. VCF-style: chr11-68411503-T-C. GRCh37 (hg19) VCF-style: chr11-68178971-T-C.
Other names: c.643T>C, p.Cys215Arg (NM_001291902.2); short protein forms C215R, C796R.
Identifiers: ClinVar variation 1800564 (VCV001800564.2), dbSNP rs1487357243, ClinGen allele CA381617032.
Genomic context (GRCh38, chr11:68,411,503, plus strand): 5'-TACTGGACCGAGTGGGGCGGCAAGCCGAGGATCGTGCGGGCCTTCATGGACGGGACCAAC[T>C]GCATGACGCTGGTGGACAAGGTGGGCCGGGCCAACGACCTCACCATTGACTACGCTGACC-3'
Protein context (NP_002326.2, residues 786-806): IVRAFMDGTN[Cys796Arg]MTLVDKVGRA